The following is an entry in ClinVar:

NM_001018005.2(TPM1):c.105G>C (p.Arg35Ser)

Gene: TPM1 (tropomyosin 1; plus strand). Cytogenetic location: 15q22.2.
Variant type: single nucleotide variant.
Coding change: c.105G>C on transcript NM_001018005.2 (MANE Select); coding-DNA position 105, G replaced by C.
Protein change: p.Arg35Ser; replaces arginine 35 with serine.
Molecular consequence: missense variant.
Genome position (GRCh38, 1-based): chr15:63,042,934, G>C. VCF-style: chr15-63042934-G-C. GRCh37 (hg19) VCF-style: chr15-63335133-G-C.
Other names: c.105G>C, p.Arg35Ser (NM_000366.6, NM_001018004.2, NM_001018006.2 and 7 more transcripts); short protein forms R35S.
Identifiers: ClinVar variation 691665 (VCV000691665.8), dbSNP rs1448738061, ClinGen allele CA392718154.

ClinVar aggregate classification (germline): Uncertain significance. Review status: criteria provided, multiple submitters, no conflicts (2 of 4 stars). 5 submissions from 5 submitters: Uncertain significance (5). Last evaluated 2023-04-27.

Conditions:
Cardiomyopathy (CMYO). Also called: Cardiomyopathies. Identifiers: Orphanet 167848, MedGen C0878544, MONDO:0004994, HP:0001638. Inheritance: Various modes of inheritance.
Hypertrophic cardiomyopathy. Also called: HYPERTROPHIC MYOCARDIOPATHY. Identifiers: Orphanet 217569, MedGen C0007194, MeSH D002312, MONDO:0005045, HP:0001639.

Allele frequency attached by ClinVar (database versions not stated): gnomAD exomes below 0.00001 and 0.00001.
gnomAD v4.1: 2 of 1,600,076 alleles (0.00012%); highest among the groups gnomAD compares: East Asian, 0.0045%; no homozygotes.

Submissions (5):

All of Us Research Program, National Institutes of Health
Classification: Uncertain significance for Hypertrophic cardiomyopathy. Last evaluated: 2023-04-27. Review status: criteria provided, single submitter. Criteria: ACMG Guidelines, 2015. Collection method: clinical testing. Allele origin: germline. Inheritance: Autosomal dominant inheritance. Observed: 1 variant allele, 1 heterozygote.
Comment: This missense variant replaces arginine with serine at codon 35 of the TPM1 protein. Computational prediction suggests that this variant may not impact protein structure and function (internally defined REVEL score threshold <= 0.5, PMID: 27666373). To our knowledge, functional studies have not been reported for this variant. This variant has not been reported in individuals affected with cardiovascular disorders in the literature. This variant has been identified in 2/218276 chromosomes in the general population by the Genome Aggregation Database (gnomAD). The available evidence is insufficient to determine the role of this variant in disease conclusively. Therefore, this variant is classified as a Variant of Uncertain Significance.

This study involves interpretation of variants in research participants for the purpose of population health screening. Participant phenotype was not available at the time of variant classification. Additional details can be found in publication PMID: 35346344, PMCID: PMC8962531

Labcorp Genetics (formerly Invitae), Labcorp
Classification: Uncertain significance for Hypertrophic cardiomyopathy. Last evaluated: 2021-09-01. Review status: criteria provided, single submitter. Criteria: Invitae Variant Classification Sherloc (09022015). Collection method: clinical testing. Allele origin: germline.
Comment: This sequence change replaces arginine with serine at codon 35 of the TPM1 protein (p.Arg35Ser). The arginine residue is highly conserved and there is a moderate physicochemical difference between arginine and serine. This variant is not present in population databases (ExAC no frequency). This variant has not been reported in the literature in individuals affected with TPM1-related conditions. ClinVar contains an entry for this variant (Variation ID: 691665). Algorithms developed to predict the effect of missense changes on protein structure and function are either unavailable or do not agree on the potential impact of this missense change (SIFT: "Deleterious"; PolyPhen-2: "Benign"; Align-GVGD: "Class C0"). In summary, the available evidence is currently insufficient to determine the role of this variant in disease. Therefore, it has been classified as a Variant of Uncertain Significance.

Color Diagnostics, LLC DBA Color Health
Classification: Uncertain significance for Cardiomyopathy. Last evaluated: 2021-03-01. Review status: criteria provided, single submitter. Criteria: ACMG Guidelines, 2015. Collection method: clinical testing. Allele origin: germline.
Comment: This missense variant replaces arginine with serine at codon 35 of the TPM1 protein. Computational prediction suggests that this variant may not impact protein structure and function (internally defined REVEL score threshold <= 0.5, PMID: 27666373). To our knowledge, functional studies have not been reported for this variant. This variant has not been reported in individuals affected with cardiovascular disorders in the literature. This variant has been identified in 2/218276 chromosomes in the general population by the Genome Aggregation Database (gnomAD). The available evidence is insufficient to determine the role of this variant in disease conclusively. Therefore, this variant is classified as a Variant of Uncertain Significance.

CHEO Genetics Diagnostic Laboratory, Children's Hospital of Eastern Ontario
Classification: Uncertain significance for Cardiomyopathy. Last evaluated: 2018-08-28. Review status: criteria provided, single submitter. Criteria: ACMG Guidelines, 2015. Collection method: clinical testing. Allele origin: germline.

Center for Advanced Laboratory Medicine, UC San Diego Health, University of California San Diego
Classification: Uncertain significance for Hypertrophic cardiomyopathy. Last evaluated: 2018-05-08. Review status: criteria provided, single submitter. Criteria: ACMG Guidelines, 2015. Collection method: clinical testing. Allele origin: germline. Affected: yes. Observed: 1 variant allele.